The following is an entry in ClinVar:

NM_001458.5(FLNC):c.3502G>A (p.Gly1168Ser)

Gene: FLNC (filamin C; plus strand). Cytogenetic location: 7q32.1.
Variant type: single nucleotide variant.
Coding change: c.3502G>A on transcript NM_001458.5 (MANE Select); coding-DNA position 3502, G replaced by A.
Protein change: p.Gly1168Ser; replaces glycine 1168 with serine.
Molecular consequence: missense variant.
Genome position (GRCh38, 1-based): chr7:128,844,967, G>A. VCF-style: chr7-128844967-G-A. GRCh37 (hg19) VCF-style: chr7-128485021-G-A.
Other names: c.3502G>A, p.Gly1168Ser (NM_001127487.2); short protein forms G1168S.
Identifiers: ClinVar variation 1011453 (VCV001011453.18), dbSNP rs199814952, ClinGen allele CA4475059.
Genomic context (GRCh38, chr7:128,844,967, plus strand): 5'-ACCATTCGGCCTGTGTTTGACCCGAGCAAGGTGCGGGCCAGTGGACCGGGCCTGGAGCGC[G>A]GCAAGGTCGGTGAGGCAGCCACCTTCACTGTGGACTGCTCAGAGGCAGGCGAGGCGGAGC-3'
Protein context (NP_001449.3, residues 1158-1178): VRASGPGLER[Gly1168Ser]KVGEAATFTV

ClinVar aggregate classification (germline): Conflicting classifications of pathogenicity. Review status: criteria provided, conflicting classifications (1 of 4 stars). 7 submissions from 7 submitters: Uncertain significance (5); Likely benign (2). Last evaluated 2026-03-31.

Conditions:
Myofibrillar myopathy 5. Also called: Filaminopathy (type); FILAMINOPATHY, AUTOSOMAL DOMINANT. Identifiers: Orphanet 171445, MedGen C1836050, MONDO:0012289, OMIM 609524.
Hypertrophic cardiomyopathy 26. Also called: Cardiomyopathy, familial hypertrophic, 26. Identifiers: Orphanet 75249, MedGen C4310749, MONDO:0014883, OMIM 617047.
Distal myopathy with posterior leg and anterior hand involvement. Also called: WILLIAMS DISTAL MYOPATHY. Identifiers: Orphanet 63273, MedGen C3279722, MONDO:0013550, OMIM 614065.
FLNC-related disorder. Also called: FLNC-related disorders; FLNC-related condition.
Cardiovascular phenotype. Identifiers: MedGen CN230736.

Allele frequency attached by ClinVar (database versions not stated): TOPMed 0.00001; ExAC 0.00004; gnomAD 0.00005 and 0.00006; 1000 Genomes Project 0.00020; 1000 Genomes Project 30x 0.00031.

Submissions (7):

PreventionGenetics, part of Exact Sciences
Classification: Uncertain significance for FLNC-related condition. Last evaluated: 2026-03-31. Review status: criteria provided, single submitter. Criteria: ACMG Guidelines, 2015. Collection method: clinical testing. Allele origin: germline.
Comment: The FLNC c.3502G>A variant is predicted to result in the amino acid substitution p.Gly1168Ser. To our knowledge, this variant has not been reported in the literature. This variant is reported in 0.013% of alleles in individuals of South Asian descent in gnomAD. Although we suspect that this variant may be benign, at this time, the clinical significance of this variant is uncertain due to the absence of conclusive functional and genetic evidence.

Molecular Diagnostic Laboratory for Inherited Cardiovascular Disease, Montreal Heart Institute
Classification: Uncertain significance for Cardiovascular phenotype. Last evaluated: 2025-07-24. Review status: criteria provided, single submitter. Criteria: ACMG Guidelines, 2015. Collection method: clinical testing. Allele origin: germline. Affected: yes.

Ambry Genetics
Classification: Uncertain significance for Cardiovascular phenotype. Last evaluated: 2024-03-27. Review status: criteria provided, single submitter. Criteria: Ambry Variant Classification Scheme 2023. Collection method: clinical testing. Allele origin: germline.
Comment: The p.G1168S variant (also known as c.3502G>A), located in coding exon 21 of the FLNC gene, results from a G to A substitution at nucleotide position 3502. The glycine at codon 1168 is replaced by serine, an amino acid with similar properties. This amino acid position is well conserved in available vertebrate species. In addition, the in silico prediction for this alteration is inconclusive. Since supporting evidence is limited at this time, the clinical significance of this alteration remains unclear.

Labcorp Genetics (formerly Invitae), Labcorp
Classification: Likely benign for Distal myopathy with posterior leg and anterior hand involvement; Myofibrillar myopathy 5; Hypertrophic cardiomyopathy 26. Last evaluated: 2023-11-30. Review status: criteria provided, single submitter. Criteria: Invitae Variant Classification Sherloc (09022015). Collection method: clinical testing. Allele origin: germline.

Blueprint Genetics
Classification: Likely benign. Last evaluated: 2023-06-16. Review status: criteria provided, single submitter. Criteria: ACMG Guidelines, 2015. Collection method: clinical testing. Allele origin: germline.

Revvity Omics, Revvity
Classification: Uncertain significance. Last evaluated: 2019-12-24. Review status: criteria provided, single submitter. Criteria: ACMG Guidelines, 2015. Collection method: clinical testing. Allele origin: germline.

GeneDx
Classification: Uncertain significance. Last evaluated: 2019-05-20. Review status: criteria provided, single submitter. Criteria: GeneDx Variant Classification Process June 2021. Collection method: clinical testing. Allele origin: germline. Affected: yes.
Comment: Has not been previously published as pathogenic or benign to our knowledge; In silico analysis, which includes protein predictors and evolutionary conservation, supports that this variant does not alter protein structure/function